The following is an entry in ClinVar:

NM_000218.3(KCNQ1):c.104C>T (p.Pro35Leu)

Gene: KCNQ1 (potassium voltage-gated channel subfamily Q member 1; plus strand). Cytogenetic location: 11p15.5.
Variant type: single nucleotide variant.
Coding change: c.104C>T on transcript NM_000218.3 (MANE Select); coding-DNA position 104, C replaced by T.
Protein change: p.Pro35Leu; replaces proline 35 with leucine.
Molecular consequence: missense variant.
Genome position (GRCh38, 1-based): chr11:2,445,202, C>T. VCF-style: chr11-2445202-C-T. GRCh37 (hg19) VCF-style: chr11-2466432-C-T.
Other names: short protein forms P35L.
Identifiers: ClinVar variation 840373 (VCV000840373.12), dbSNP rs1373379406, ClinGen allele CA379116196.
Genomic context (GRCh38, chr11:2,445,202, plus strand): 5'-GGGGTTGGGGCCGCCTGCCAGGCGCCCGGCGGGGCAGCGCGGGCCTGGCCAAGAAGTGCC[C>T]CTTCTCGCTGGAGCTGGCGGAGGGCGGCCCGGCGGGCGGCGCGCTCTACGCGCCCATCGC-3'
Protein context (NP_000209.2, residues 25-45): RGSAGLAKKC[Pro35Leu]FSLELAEGGP

ClinVar aggregate classification (germline): Uncertain significance. Review status: criteria provided, multiple submitters, no conflicts (2 of 4 stars). 3 submissions from 3 submitters: Uncertain significance (3). Last evaluated 2026-01-05.

Conditions:
Long QT syndrome (LQTS). Identifiers: MedGen C0023976, MeSH D008133, MONDO:0002442. Disease mechanism: loss of function. Inheritance: Various modes of inheritance.
Cardiovascular phenotype. Identifiers: MedGen CN230736.

Allele frequency attached by ClinVar (database versions not stated): gnomAD exomes 0.00001; TOPMed 0.00002.

Submissions (3):

Labcorp Genetics (formerly Invitae), Labcorp
Classification: Uncertain significance for Long QT syndrome. Last evaluated: 2026-01-05. Review status: criteria provided, single submitter. Criteria: Invitae Variant Classification Sherloc (09022015). Collection method: clinical testing. Allele origin: germline.
Comment: This sequence change replaces proline, which is neutral and non-polar, with leucine, which is neutral and non-polar, at codon 35 of the KCNQ1 protein (p.Pro35Leu). This variant is not present in population databases (gnomAD no frequency). This variant has not been reported in the literature in individuals affected with KCNQ1-related conditions. ClinVar contains an entry for this variant (Variation ID: 840373). Invitae Evidence Modeling of protein sequence and biophysical properties (such as structural, functional, and spatial information, amino acid conservation, physicochemical variation, residue mobility, and thermodynamic stability) has been performed for this missense variant. However, the output from this modeling did not meet the statistical confidence thresholds required to predict the impact of this variant on KCNQ1 protein function. In summary, the available evidence is currently insufficient to determine the role of this variant in disease. Therefore, it has been classified as a Variant of Uncertain Significance.

Ambry Genetics
Classification: Uncertain significance for Cardiovascular phenotype. Last evaluated: 2024-12-23. Review status: criteria provided, single submitter. Criteria: Ambry Variant Classification Scheme 2023. Collection method: clinical testing. Allele origin: germline.
Comment: The p.P35L variant (also known as c.104C>T), located in coding exon 1 of the KCNQ1 gene, results from a C to T substitution at nucleotide position 104. The proline at codon 35 is replaced by leucine, an amino acid with similar properties. This amino acid position is well conserved in available vertebrate species. In addition, the in silico prediction for this alteration is inconclusive. Based on the available evidence, the clinical significance of this variant remains unclear.

GeneDx
Classification: Uncertain significance. Last evaluated: 2024-05-06. Review status: criteria provided, single submitter. Criteria: GeneDx Variant Classification Process June 2021. Collection method: clinical testing. Allele origin: germline. Affected: yes.
Comment: Not observed at significant frequency in large population cohorts (gnomAD); In silico analysis indicates that this missense variant does not alter protein structure/function; Has not been previously published as pathogenic or benign to our knowledge